The following is an entry in ClinVar:

ClinVar aggregate classification (germline): Uncertain significance (1 of 4 stars; one submission).

Conditions:
Dilated cardiomyopathy 1D. Identifiers: Orphanet 154, Orphanet 54260, MedGen C1832243, MONDO:0011095, OMIM 601494.
Hypertrophic cardiomyopathy 2. Also called: TNNT2-Related Familial Hypertrophic Cardiomyopathy. Identifiers: MedGen C1861864, MONDO:0007266, OMIM 115195.
Cardiomyopathy, familial restrictive, 3. Identifiers: Orphanet 75249, MedGen C2676271, MONDO:0012900, OMIM 612422.

Submission:

Labcorp Genetics (formerly Invitae), Labcorp
Classification: Uncertain significance for Cardiomyopathy, familial restrictive, 3; Hypertrophic cardiomyopathy 2; Dilated cardiomyopathy 1D. Last evaluated: 2024-08-04. Review status: criteria provided, single submitter. Criteria: Invitae Variant Classification Sherloc (09022015). Collection method: clinical testing. Allele origin: germline.
Comment: This sequence change replaces glutamic acid, which is acidic and polar, with glutamine, which is neutral and polar, at codon 50 of the TNNT2 protein (p.Glu50Gln). This variant is not present in population databases (gnomAD no frequency). This variant has not been reported in the literature in individuals affected with TNNT2-related conditions. Advanced modeling of protein sequence and biophysical properties (such as structural, functional, and spatial information, amino acid conservation, physicochemical variation, residue mobility, and thermodynamic stability) has been performed at Invitae for this missense variant, however the output from this modeling did not meet the statistical confidence thresholds required to predict the impact of this variant on TNNT2 protein function. In summary, the available evidence is currently insufficient to determine the role of this variant in disease. Therefore, it has been classified as a Variant of Uncertain Significance.

NM_001276345.2(TNNT2):c.178G>C (p.Glu60Gln)

Gene: TNNT2 (troponin T2, cardiac type; minus strand). Cytogenetic location: 1q32.1.
Variant type: single nucleotide variant.
Coding change: c.178G>C on transcript NM_001276345.2 (MANE Select); coding-DNA position 178, G replaced by C.
Protein change: p.Glu60Gln; replaces glutamic acid 60 with glutamine.
Molecular consequence: missense variant.
Genome position (GRCh38, 1-based): chr1:201,367,792, C>G on the plus strand (G>C on the coding strand, the complement: TNNT2 is on the minus strand). VCF-style: chr1-201367792-C-G. GRCh37 (hg19) VCF-style: chr1-201336920-C-G.
Other names: c.178G>C, p.Glu60Gln (NM_000364.4, NM_001406723.1); c.148G>C, p.Glu50Gln (NM_001001430.3, NM_001001431.3, NM_001276347.2 and 3 more transcripts); c.133G>C, p.Glu45Gln (NM_001001432.3, NM_001406728.1); c.175G>C, p.Glu59Gln (NM_001276346.2); c.145G>C, p.Glu49Gln (NM_001406725.1); short protein forms E45Q, E49Q, E50Q, E59Q, E60Q.
Identifiers: ClinVar variation 3753585 (VCV003753585.2).